The following is an entry in ClinVar:

NM_018249.6(CDK5RAP2):c.3069G>C (p.Glu1023Asp)

Gene: CDK5RAP2 (CDK5 regulatory subunit associated protein 2; minus strand). Cytogenetic location: 9q33.2.
Variant type: single nucleotide variant.
Coding change: c.3069G>C on transcript NM_018249.6 (MANE Select); coding-DNA position 3069, G replaced by C.
Protein change: p.Glu1023Asp; replaces glutamic acid 1023 with aspartic acid.
Molecular consequence: missense variant. On other transcripts: non-coding transcript variant (5).
Genome position (GRCh38, 1-based): chr9:120,443,699, C>G on the plus strand (G>C on the coding strand, the complement: CDK5RAP2 is on the minus strand). VCF-style: chr9-120443699-C-G. GRCh37 (hg19) VCF-style: chr9-123205977-C-G.
Other names: c.3069G>C, p.Glu1023Asp (NM_001011649.3); c.2379G>C, p.Glu793Asp (NM_001272039.2); c.2970G>C, p.Glu990Asp (NM_001410992.1); c.2973G>C, p.Glu991Asp (NM_001410993.1); c.3066G>C, p.Glu1022Asp (NM_001410994.1); short protein forms E990D, E1022D, E1023D, E793D, E991D.
Identifiers: ClinVar variation 1918336 (VCV001918336.5), dbSNP rs2036026243, ClinGen allele CA374722380.

ClinVar aggregate classification (germline): Uncertain significance (1 of 4 stars; one submission).

Allele frequency attached by ClinVar (database versions not stated): gnomAD exomes below 0.00001.
gnomAD v4.1: 3 of 1,614,098 alleles (0.00019%); highest among the groups gnomAD compares: African/African-American, 0.004%; no homozygotes.

Submission:

Labcorp Genetics (formerly Invitae), Labcorp
Classification: Uncertain significance. Last evaluated: 2022-03-30. Review status: criteria provided, single submitter. Criteria: Invitae Variant Classification Sherloc (09022015). Collection method: clinical testing. Allele origin: germline.
Comment: This variant has not been reported in the literature in individuals affected with CDK5RAP2-related conditions. Algorithms developed to predict the effect of missense changes on protein structure and function are either unavailable or do not agree on the potential impact of this missense change (SIFT: "Tolerated"; PolyPhen-2: "Possibly Damaging"; Align-GVGD: "Class C0"). In summary, the available evidence is currently insufficient to determine the role of this variant in disease. Therefore, it has been classified as a Variant of Uncertain Significance. This variant is not present in population databases (gnomAD no frequency). This sequence change replaces glutamic acid, which is acidic and polar, with aspartic acid, which is acidic and polar, at codon 1023 of the CDK5RAP2 protein (p.Glu1023Asp).